The following is an entry in ClinVar:

NM_000112.4(SLC26A2):c.25C>G (p.His9Asp)

Gene: SLC26A2 (solute carrier family 26 member 2; plus strand). Cytogenetic location: 5q32.
Variant type: single nucleotide variant.
Coding change: c.25C>G on transcript NM_000112.4 (MANE Select); coding-DNA position 25, C replaced by G.
Protein change: p.His9Asp; replaces histidine 9 with aspartic acid.
Molecular consequence: missense variant.
Genome position (GRCh38, 1-based): chr5:149,977,677, C>G. VCF-style: chr5-149977677-C-G. GRCh37 (hg19) VCF-style: chr5-149357240-C-G.
Other names: short protein forms H9D.
Identifiers: ClinVar variation 1990790 (VCV001990790.3), dbSNP rs151076648, ClinGen allele CA3505188.

ClinVar aggregate classification (germline): Uncertain significance. Review status: criteria provided, multiple submitters, no conflicts (2 of 4 stars). 3 submissions from 3 submitters: Uncertain significance (3). Last evaluated 2024-12-18.

Conditions:
Inborn genetic diseases. Identifiers: MedGen C0950123, MeSH D030342.
Atelosteogenesis type II (AO2). Also called: NEONATAL OSSEOUS DYSPLASIA I; SLC26A2-Related Atelosteogenesis; Neonatal osseous dysplasia 1. Identifiers: Orphanet 56304, MedGen C1850554, MONDO:0009727, OMIM 256050.
Achondrogenesis, type IB (ACG1B). Also called: Achondrogenesis Type 1B. Identifiers: Orphanet 932, Orphanet 93298, MedGen C0265274, MONDO:0010966, OMIM 600972.
Diastrophic dysplasia (DTD). Also called: Diastrophic dwarfism. Identifiers: Orphanet 628, MedGen C0220726, MONDO:0009107, OMIM 222600.
Multiple epiphyseal dysplasia type 4 (EDM4). Also called: Multiple Epiphyseal Dysplasia, Recessive; MULTIPLE EPIPHYSEAL DYSPLASIA WITH BILAYERED PATELLAE; MULTIPLE EPIPHYSEAL DYSPLASIA WITH CLUBFOOT; MULTIPLE EPIPHYSEAL DYSPLASIA, AUTOSOMAL RECESSIVE; SLC26A2-Related Multiple Epiphyseal Dysplasia. Identifiers: Orphanet 93307, MedGen C1847593, MONDO:0009189, OMIM 226900.

Allele frequency attached by ClinVar (database versions not stated): gnomAD exomes 0.00001; ExAC 0.00003.
gnomAD v4.1: 19 of 1,613,756 alleles (0.0012%); highest among the groups gnomAD compares: South Asian, 0.016%; no homozygotes.

Submissions (3):

GeneDx
Classification: Uncertain significance. Last evaluated: 2024-12-18. Review status: criteria provided, single submitter. Criteria: GeneDx Variant Classification Process June 2021. Collection method: clinical testing. Allele origin: germline. Affected: yes.
Comment: In silico analysis supports that this missense variant has a deleterious effect on protein structure/function; Has not been previously published as pathogenic or benign to our knowledge

Ambry Genetics
Classification: Uncertain significance for Inborn genetic diseases. Last evaluated: 2022-02-10. Review status: criteria provided, single submitter. Criteria: Ambry Variant Classification Scheme 2023. Collection method: clinical testing. Allele origin: germline.

Labcorp Genetics (formerly Invitae), Labcorp
Classification: Uncertain significance for Atelosteogenesis type II; Multiple epiphyseal dysplasia type 4; Achondrogenesis, type IB; Diastrophic dysplasia. Last evaluated: 2021-09-01. Review status: criteria provided, single submitter. Criteria: Invitae Variant Classification Sherloc (09022015). Collection method: clinical testing. Allele origin: germline.
Comment: This sequence change replaces histidine with aspartic acid at codon 9 of the SLC26A2 protein (p.His9Asp). The histidine residue is weakly conserved and there is a moderate physicochemical difference between histidine and aspartic acid. This variant is present in population databases (rs151076648, ExAC 0.02%). This variant has not been reported in the literature in individuals affected with SLC26A2-related conditions. Advanced modeling of protein sequence and biophysical properties (such as structural, functional, and spatial information, amino acid conservation, physicochemical variation, residue mobility, and thermodynamic stability) performed at Invitae indicates that this missense variant is not expected to disrupt SLC26A2 protein function. In summary, the available evidence is currently insufficient to determine the role of this variant in disease. Therefore, it has been classified as a Variant of Uncertain Significance.